The following is an entry in ClinVar:

NM_007194.4(CHEK2):c.309_318dup (p.Glu107delinsCysGlnSerTer)

Gene: CHEK2 (checkpoint kinase 2; minus strand). Cytogenetic location: 22q12.1.
Variant type: Duplication.
Coding change: c.309_318dup on transcript NM_007194.4 (MANE Select); coding-DNA positions 309 to 318, 10 bases duplicated (TGCCAATCTT; older notation c.309_318dupTGCCAATCTT).
Protein change: p.Glu107delinsCysGlnSerTer.
Molecular consequence: nonsense. On other transcripts: frameshift variant (3).
Genome position (GRCh38, 1-based): chr22:28,734,404-28,734,413, AAGATTGGCA duplicated on the plus strand (TGCCAATCTT on the coding strand, the reverse complement: CHEK2 is on the minus strand); duplicating any 10 consecutive bases within chr22:28,734,404-28,734,415 gives the same sequence; the c. name uses the placement nearest the transcript's 3' end. VCF-style (leftmost placement, unchanged base first): chr22-28734403-C-CAAGATTGGCA. GRCh37 (hg19) VCF-style: chr22-29130391-C-CAAGATTGGCA.
Other names: c.307_316dup, p.Glu107Cysfs (NM_001005735.3, NM_001349956.3, NM_145862.3); c.-471_-462dup (NM_001257387.3).
Identifiers: ClinVar variation 2583552 (VCV002583552.2), dbSNP rs2518126061, ClinGen allele CA2582342744.

ClinVar aggregate classification (germline): Pathogenic (1 of 4 stars; one submission).

Conditions:
Familial cancer of breast. Also called: Hereditary breast cancer; BREAST CANCER, FAMILIAL; hereditary breast carcinoma. Identifiers: Orphanet 227535, MedGen C0346153, MONDO:0016419, OMIM 114480. Disease mechanism: loss of function.

Submission:

Myriad Genetics, Inc.
Classification: Pathogenic for Familial cancer of breast. Last evaluated: 2023-06-23. Review status: criteria provided, single submitter. Criteria: Myriad Autosomal Dominant, Autosomal Recessive and X-Linked Classification Criteria (2023). Collection method: clinical testing. Allele origin: unknown.
Comment: This variant is considered pathogenic. This variant creates a frameshift predicted to result in premature protein truncation.